The following is an entry in ClinVar:

ClinVar aggregate classification (germline): Likely benign (1 of 4 stars; one submission).

Allele frequency attached by ClinVar (database versions not stated): 1000 Genomes Project 30x 0.00734; ExAC 0.00031.

Submission:

CeGaT Center for Human Genetics Tuebingen
Classification: Likely benign. Last evaluated: 2023-02-01. Review status: criteria provided, single submitter. Criteria: CeGaT Center For Human Genetics Tuebingen Variant Classification Criteria Version 2. Collection method: clinical testing. Allele origin: germline. Affected: yes. Observed: 1 variant allele.
Comment: UBC: BP4, BP7, BS2

NM_021009.7(UBC):c.573T>C (p.Asp191=)

Gene: UBC (ubiquitin C; minus strand). Cytogenetic location: 12q24.31.
Variant type: single nucleotide variant.
Coding change: c.573T>C on transcript NM_021009.7 (MANE Select); coding-DNA position 573, T replaced by C.
Protein change: p.Asp191=; no amino-acid change (aspartic acid 191 retained).
Molecular consequence: synonymous variant.
Genome position (GRCh38, 1-based): chr12:124,913,199, A>G on the plus strand (T>C on the coding strand, the complement: UBC is on the minus strand). VCF-style: chr12-124913199-A-G. GRCh37 (hg19) VCF-style: chr12-125397745-A-G.
Identifiers: ClinVar variation 2643572 (VCV002643572.24), dbSNP rs782195293, ClinGen allele CA645587572.